The following is an entry in ClinVar:

ClinVar aggregate classification (germline): Pathogenic (1 of 4 stars; one submission).

Conditions:
Fetal akinesia deformation sequence 1 (FADS1). Also called: Pena-Shokeir syndrome type I; Fetal akinesia sequence. Identifiers: Orphanet 994, MedGen C1276035, MONDO:0100101, OMIM 208150, HP:0001989.
Congenital myasthenic syndrome 10. Also called: Myasthenia, limb-girdle, familial. Identifiers: Orphanet 590, MedGen C1850792, MONDO:0009690, OMIM 254300.

Submission:

Labcorp Genetics (formerly Invitae), Labcorp
Classification: Pathogenic for Congenital myasthenic syndrome 10; Fetal akinesia deformation sequence 1. Last evaluated: 2023-02-20. Review status: criteria provided, single submitter. Criteria: Invitae Variant Classification Sherloc (09022015). Collection method: clinical testing. Allele origin: germline.
Comment: For these reasons, this variant has been classified as Pathogenic. This sequence change results in a frameshift in the DOK7 gene (p.Asn428Glnfs*94). While this is not anticipated to result in nonsense mediated decay, it is expected to disrupt the last 77 amino acid(s) of the DOK7 protein and extend the protein by 16 additional amino acid residues. This variant has not been reported in the literature in individuals affected with DOK7-related conditions. This variant is not present in population databases (gnomAD no frequency). This variant disrupts a region of the DOK7 protein in which other variant(s) (p.Pro486Argfs*15) have been determined to be pathogenic (PMID: 29118959). This suggests that this is a clinically significant region of the protein, and that variants that disrupt it are likely to be disease-causing.

Literature cited by the submitters: PubMed 29118959.

NM_173660.5(DOK7):c.1271_1280dup (p.Asn428fs)

Gene: DOK7 (docking protein 7; plus strand). Cytogenetic location: 4p16.3.
Variant type: Duplication.
Coding change: c.1271_1280dup on transcript NM_173660.5 (MANE Select); coding-DNA positions 1271 to 1280, 10 bases duplicated (GCAGCCCCGG; older notation c.1271_1280dupGCAGCCCCGG).
Protein change: p.Asn428fs; shifts the reading frame from asparagine 428.
Molecular consequence: frameshift variant. On other transcripts: 3 prime UTR variant (1).
Genome position (GRCh38, 1-based): chr4:3,493,257-3,493,266, GCAGCCCCGG duplicated; duplicating any 10 consecutive bases within chr4:3,493,255-3,493,266 gives the same sequence; the c. name uses the placement nearest the transcript's 3' end. VCF-style (leftmost placement, unchanged base first): chr4-3493254-A-AGGGCAGCCCC. GRCh37 (hg19) VCF-style: chr4-3494981-A-AGGGCAGCCCC.
Other names: c.*492_*501dup (NM_001164673.2); c.341_350dup, p.Asn118fs (NM_001256896.2); c.1271_1280dup, p.Asn428fs (NM_001301071.2); c.839_848dup, p.Asn284fs (NM_001363811.2); short protein forms N284fs, N428fs, N118fs.
Identifiers: ClinVar variation 2944538 (VCV002944538.3), dbSNP rs2475115425, ClinGen allele CA2740091106.